The following is an entry in ClinVar:

ClinVar aggregate classification (germline): Uncertain significance (1 of 4 stars; one submission).

Conditions:
Capillary infantile hemangioma. Also called: Hereditary capillary infantile hemangioma; HEMANGIOMA, HEREDITARY CAPILLARY; Hemangioma, capillary infantile, somatic. Identifiers: MedGen C1865871, MONDO:0011191, OMIM 602089.

Submission:

Seattle Children's Hospital Molecular Genetics Laboratory, Seattle Children's Hospital
Classification: Uncertain significance for Capillary infantile hemangioma. Last evaluated: 2022-01-28. Review status: criteria provided, single submitter. Criteria: ACMG Guidelines, 2015. Collection method: clinical testing. Allele origin: germline. Affected: yes.
Comment: The c.13979C>G (p.Ala4460Gly) variant has not been observed in large population studies and algorithms have conflicting predictions about the possible impact of this change (CADD 25.1).

NM_001291303.3(FAT4):c.13985C>G (p.Ala4662Gly)

Gene: FAT4 (FAT atypical cadherin 4; plus strand). Cytogenetic location: 4q28.1.
Variant type: single nucleotide variant.
Coding change: c.13985C>G on transcript NM_001291303.3 (MANE Select); coding-DNA position 13985, C replaced by G.
Protein change: p.Ala4662Gly; replaces alanine 4662 with glycine.
Molecular consequence: missense variant.
Genome position (GRCh38, 1-based): chr4:125,490,801, C>G. VCF-style: chr4-125490801-C-G. GRCh37 (hg19) VCF-style: chr4-126411956-C-G.
Other names: c.13982C>G, p.Ala4661Gly (NM_001291285.3); c.13979C>G, p.Ala4660Gly (NM_024582.6); short protein forms A4660G, A4661G, A4662G.
Identifiers: ClinVar variation 1691352 (VCV001691352.2), dbSNP rs1727604042, ClinGen allele CA358139335.
Genomic context (GRCh38, chr4:125,490,801, plus strand): 5'-AGCAGTTCCGCAGCCACACACCAAAATTTTCAATCCAGAGGCACAGTCCCCTAGGCTTTG[C>G]AAGGCAATCCCCCATGCCCTTAGGAGCAAGCAGTTTGACTTACCAGCCTTCATATGGTCA-3'
Protein context (NP_001278232.1, residues 4652-4672): SIQRHSPLGF[Ala4662Gly]RQSPMPLGAS